The following is an entry in ClinVar:

ClinVar aggregate classification (germline): Uncertain significance (1 of 4 stars; one submission).

gnomAD v4.1: 1 of 1,610,268 alleles (0.000062%); highest among the groups gnomAD compares: Non-Finnish European, 0.000085%; no homozygotes.

Submission:

GeneDx
Classification: Uncertain significance. Last evaluated: 2022-03-22. Review status: criteria provided, single submitter. Criteria: GeneDx Variant Classification Process June 2021. Collection method: clinical testing. Allele origin: germline. Affected: yes.
Comment: Not observed at significant frequency in large population cohorts (gnomAD); In silico analysis supports that this missense variant has a deleterious effect on protein structure/function; Has not been previously published as pathogenic or benign to our knowledge

NM_003672.4(CDC14A):c.1157A>T (p.Asp386Val)

Gene: CDC14A (cell division cycle 14A; plus strand). Cytogenetic location: 1p21.2.
Variant type: single nucleotide variant.
Coding change: c.1157A>T on transcript NM_003672.4 (MANE Select); coding-DNA position 1157, A replaced by T.
Protein change: p.Asp386Val; replaces aspartic acid 386 with valine.
Molecular consequence: missense variant.
Genome position (GRCh38, 1-based): chr1:100,494,837, A>T. VCF-style: chr1-100494837-A-T. GRCh37 (hg19) VCF-style: chr1-100960393-A-T.
Other names: c.1157A>T, p.Asp386Val (NM_001319210.2, NM_033312.3); c.983A>T, p.Asp328Val (NM_001319211.2); c.278A>T, p.Asp93Val (NM_001319212.2); short protein forms D328V, D386V, D93V.
Identifiers: ClinVar variation 1707040 (VCV001707040.2), dbSNP rs2524456341, ClinGen allele CA341355089.